The following is an entry in ClinVar:

ClinVar aggregate classification (germline): Uncertain significance. Review status: criteria provided, multiple submitters, no conflicts (2 of 4 stars). 2 submissions from 2 submitters: Uncertain significance (2). Last evaluated 2024-05-06.

Conditions:
Biotin-responsive basal ganglia disease (BTBGD). Also called: Thiamine metabolism dysfunction syndrome 2 (biotin- or thiamine-responsive encephalopathy type 2); thiamine-responsive encephalopathy; Thiamine metabolism dysfunction syndrome type 2; Thiamine Transporter-2 Deficiency; THIAMINE METABOLISM DYSFUNCTION SYNDROME 2 (BIOTIN- AND THIAMINE-RESPONSIVE TYPE). Identifiers: Orphanet 199348, Orphanet 65284, MedGen C1843807, MONDO:0011841, OMIM 607483.

Allele frequency attached by ClinVar (database versions not stated): gnomAD exomes below 0.00001 and 0.00002; TOPMed below 0.00001; gnomAD 0.00001.

Submissions (2):

Labcorp Genetics (formerly Invitae), Labcorp
Classification: Uncertain significance for Biotin-responsive basal ganglia disease. Last evaluated: 2024-05-06. Review status: criteria provided, single submitter. Criteria: Invitae Variant Classification Sherloc (09022015). Collection method: clinical testing. Allele origin: germline.
Comment: This sequence change replaces tyrosine, which is neutral and polar, with cysteine, which is neutral and slightly polar, at codon 373 of the SLC19A3 protein (p.Tyr373Cys). This variant is present in population databases (no rsID available, gnomAD 0.0009%). This variant has not been reported in the literature in individuals affected with SLC19A3-related conditions. ClinVar contains an entry for this variant (Variation ID: 429582). Advanced modeling of protein sequence and biophysical properties (such as structural, functional, and spatial information, amino acid conservation, physicochemical variation, residue mobility, and thermodynamic stability) performed at Invitae indicates that this missense variant is expected to disrupt SLC19A3 protein function with a positive predictive value of 80%. In summary, the available evidence is currently insufficient to determine the role of this variant in disease. Therefore, it has been classified as a Variant of Uncertain Significance.

GeneDx
Classification: Uncertain significance. Last evaluated: 2018-02-22. Review status: criteria provided, single submitter. Criteria: GeneDx Variant Classification (06012015). Collection method: clinical testing. Allele origin: germline. Affected: yes.
Comment: The Y373C variant in the SLC19A3 gene has not been reported previously as a pathogenic variant, nor as a benign variant, to our knowledge. The Y373C variant is not observed at a significant frequency in large population cohorts (Lek et al., 2016). The Y373C variant is a non-conservative amino acid substitution, which is likely to impact secondary protein structure as these residues differ in polarity, charge, size and/or other properties. In-silico analyses, including protein predictors and evolutionary conservation, support a deleterious effect. We interpret Y373C as a variant of uncertain significance.

NM_025243.4(SLC19A3):c.1118A>G (p.Tyr373Cys)

Gene: SLC19A3 (solute carrier family 19 member 3; minus strand). Cytogenetic location: 2q36.3.
Variant type: single nucleotide variant.
Coding change: c.1118A>G on transcript NM_025243.4 (MANE Select); coding-DNA position 1118, A replaced by G.
Protein change: p.Tyr373Cys; replaces tyrosine 373 with cysteine.
Molecular consequence: missense variant.
Genome position (GRCh38, 1-based): chr2:227,695,943, T>C on the plus strand (A>G on the coding strand, the complement: SLC19A3 is on the minus strand). VCF-style: chr2-227695943-T-C. GRCh37 (hg19) VCF-style: chr2-228560659-T-C.
Other names: short protein forms Y373C.
Identifiers: ClinVar variation 429582 (VCV000429582.11), dbSNP rs1131691470, ClinGen allele CA350875752.